The following is an entry in ClinVar:

NM_015192.4(PLCB1):c.3522T>G (p.Ser1174Arg)

Gene: PLCB1 (phospholipase C beta 1; plus strand). Cytogenetic location: 20p12.3.
Variant type: single nucleotide variant.
Coding change: c.3522T>G on transcript NM_015192.4 (MANE Select); coding-DNA position 3522, T replaced by G.
Protein change: p.Ser1174Arg; replaces serine 1174 with arginine.
Molecular consequence: missense variant. On other transcripts: 3 prime UTR variant (1).
Genome position (GRCh38, 1-based): chr20:8,881,720, T>G. VCF-style: chr20-8881720-T-G. GRCh37 (hg19) VCF-style: chr20-8862367-T-G.
Other names: c.*118T>G (NM_182734.3); short protein forms S1174R.
Identifiers: ClinVar variation 1043547 (VCV001043547.6), dbSNP rs765066861, ClinGen allele CA9760638.
Genomic context (GRCh38, chr20:8,881,720, plus strand): 5'-CAAAAGACTGCCCCTCGAGATTTTGGAATTCGTGCAGGAAGCCATGAAAGGAAAGATCAG[T>G]GAAGACAGCAATCACGGTTCTGCCCCTCTCTCCCTGTCCTCAGACCCTGGAAAAGTGAAC-3'
Protein context (NP_056007.1, residues 1164-1184): FVQEAMKGKI[Ser1174Arg]EDSNHGSAPL

ClinVar aggregate classification (germline): Uncertain significance (1 of 4 stars; one submission).

Conditions:
Developmental and epileptic encephalopathy, 12 (DEE12). Identifiers: MedGen C3150988, MONDO:0013389, OMIM 613722.

Allele frequency attached by ClinVar (database versions not stated): gnomAD exomes below 0.00001; ExAC 0.00001; gnomAD 0.00001; TOPMed 0.00001.
gnomAD v4.1: 6 of 1,613,916 alleles (0.00037%); highest among the groups gnomAD compares: Admixed American, 0.0067%; no homozygotes.

Submission:

Labcorp Genetics (formerly Invitae), Labcorp
Classification: Uncertain significance for Developmental and epileptic encephalopathy, 12. Last evaluated: 2021-09-02. Review status: criteria provided, single submitter. Criteria: Invitae Variant Classification Sherloc (09022015). Collection method: clinical testing. Allele origin: germline.
Comment: This sequence change replaces serine with arginine at codon 1174 of the PLCB1 protein (p.Ser1174Arg). The serine residue is moderately conserved and there is a moderate physicochemical difference between serine and arginine. This variant is present in population databases (rs765066861, ExAC 0.009%). This variant has not been reported in the literature in individuals affected with PLCB1-related conditions. Algorithms developed to predict the effect of missense changes on protein structure and function are either unavailable or do not agree on the potential impact of this missense change (SIFT: "Deleterious"; PolyPhen-2: "Benign"; Align-GVGD: "Class C0"). In summary, the available evidence is currently insufficient to determine the role of this variant in disease. Therefore, it has been classified as a Variant of Uncertain Significance.